The following is an entry in ClinVar:

NM_000048.4(ASL):c.656-102T>C

Gene: ASL (argininosuccinate lyase; plus strand). Cytogenetic location: 7q11.21.
Variant type: single nucleotide variant.
Coding change: c.656-102T>C on transcript NM_000048.4 (MANE Select); 102 bases into the intron before coding-DNA position 656, T replaced by C.
Molecular consequence: intron variant.
Genome position (GRCh38, 1-based): chr7:66,087,627, T>C. VCF-style: chr7-66087627-T-C. GRCh37 (hg19) VCF-style: chr7-65552614-T-C.
Other names: c.656-102T>C (NM_001024943.2, NM_001024944.2); c.578-102T>C (NM_001024946.2).
Identifiers: ClinVar variation 675236 (VCV000675236.5), dbSNP rs313828, ClinGen allele CA15486547.

ClinVar aggregate classification (germline): Benign. Review status: criteria provided, multiple submitters, no conflicts (2 of 4 stars). 3 submissions from 3 submitters: Benign (3). Last evaluated 2021-07-01.

Conditions:
Argininosuccinate lyase deficiency. Also called: ARGININOSUCCINIC ACID LYASE DEFICIENCY; ASL DEFICIENCY; Argininosuccinic aciduria. Identifiers: Orphanet 23, MedGen C0268547, MONDO:0008815, OMIM 207900, HP:0025630.

Allele frequency attached by ClinVar (database versions not stated): 1000 Genomes Project 0.75100; 1000 Genomes Project 30x 0.75359; gnomAD 0.76440; TOPMed 0.77512.
gnomAD v4.1: 935,866 of 1,246,904 alleles (75%); highest among the groups gnomAD compares: African/African-American, 83%; 351,089 homozygotes.

Submissions (3):

Genome-Nilou Lab
Classification: Benign for Argininosuccinate lyase deficiency. Last evaluated: 2021-07-01. Review status: criteria provided, single submitter. Criteria: ACMG Guidelines, 2015. Collection method: clinical testing. Allele origin: germline. Affected: no.

GeneDx
Classification: Benign. Last evaluated: 2018-06-14. Review status: criteria provided, single submitter. Criteria: GeneDx Variant Classification (06012015). Collection method: clinical testing. Allele origin: germline. Affected: yes.
Comment: This variant is considered likely benign or benign based on one or more of the following criteria: it is a conservative change, it occurs at a poorly conserved position in the protein, it is predicted to be benign by multiple in silico algorithms, and/or has population frequency not consistent with disease.

Breakthrough Genomics
Classification: Benign. Review status: criteria provided, single submitter. Criteria: ACMG Guidelines, 2015. Collection method: not provided. Allele origin: germline. Inheritance: Autosomal recessive inheritance. Affected: yes.